The following is an entry in ClinVar:

NM_001080449.3(DNA2):c.442-768_587+648del

Gene: DNA2 (DNA replication helicase/nuclease 2; minus strand). Cytogenetic location: 10q21.3.
Variant type: Deletion.
Coding change: c.442-768_587+648del on transcript NM_001080449.3 (MANE Select); 768 bases into the intron before coding-DNA position 442 through 648 bases into the intron after coding-DNA position 587, 1,562 bases deleted.
Molecular consequence: splice acceptor variant, splice donor variant.
Genome position (GRCh38, 1-based): chr10:68,465,019-68,466,580, 1,562 bases deleted. GRCh37 (hg19): chr10:70,224,792-70,226,353.
Other names: EX4 DEL.
Identifiers: ClinVar variation 1710086 (VCV001710086.2), ClinGen allele CA2580081734.

ClinVar aggregate classification (germline): Pathogenic. Review status: criteria provided, single submitter (1 of 4 stars). 2 submissions from 2 submitters: Pathogenic (1). 1 of the submissions does not count toward it. Last evaluated 2022-09-22.

Conditions:
Rothmund-Thomson syndrome (RTS). Also called: Poikiloderma Congenitale; Poikiloderma of Rothmund-Thomson. Identifiers: Orphanet 2909, MedGen C0032339, MONDO:0010002.
Rothmund-Thomson syndrome type 4. Identifiers: MedGen C5935619, MONDO:0970950, OMIM 620819.

Submissions (2):

Human Genome and Stem Cell Research Center, Department of Genetics and Evolutionary Biology, Institute of Biosciences, University of São Paulo
Classification: Pathogenic for Rothmund-Thomson syndrome. Last evaluated: 2022-09-22. Review status: criteria provided, single submitter. Criteria: ACMG Guidelines, 2015. Collection method: research. Allele origin: maternal. Inheritance: Autosomal recessive inheritance. Affected: yes. Observed: 2 compound heterozygotes. Clinical features observed: Poikiloderma (HP:0001029), Developmental cataract (HP:0000519), Severe postnatal growth retardation (HP:0008850).
Comment: Pathogenic (PM2, PVS1, PP1)

OMIM
Classification: Pathogenic for ROTHMUND-THOMSON SYNDROME, TYPE 4. Last evaluated: 2024-05-07. Review status: no assertion criteria provided. Collection method: literature only. Allele origin: germline. Not counted in ClinVar's aggregate classification.

Literature cited by the submitters: PubMed 37055165 (cited by OMIM).